The following is an entry in ClinVar:

NM_006087.4(TUBB4A):c.36C>G (p.Cys12Trp)

Genes: TUBB4A (tubulin beta 4A class IVa; minus strand), LOC130063295 (ATAC-STARR-seq lymphoblastoid silent region 9955; plus strand). Cytogenetic location: 19p13.3.
Variant type: single nucleotide variant.
Coding change: c.36C>G on transcript NM_006087.4 (MANE Select); coding-DNA position 36, C replaced by G.
Protein change: p.Cys12Trp; replaces cysteine 12 with tryptophan.
Molecular consequence: missense variant. On other transcripts: 5 prime UTR variant (1), intron variant (1).
Genome position (GRCh38, 1-based): chr19:6,502,177, G>C on the plus strand (C>G on the coding strand, the complement: TUBB4A is on the minus strand). VCF-style: chr19-6502177-G-C. GRCh37 (hg19) VCF-style: chr19-6502188-G-C.
Other names: c.189C>G, p.Cys63Trp (NM_001289123.2); c.171C>G, p.Cys57Trp (NM_001289127.2); c.36C>G, p.Cys12Trp (NM_001289129.2); c.-138C>G (NM_001289130.2); c.-117+12C>G (NM_001289131.2); short protein forms C12W, C57W, C63W.
Identifiers: ClinVar variation 4708139 (VCV004708139.1).

ClinVar aggregate classification (germline): Uncertain significance (1 of 4 stars; one submission).

Conditions:
Leukodystrophy, hypomyelinating, 6. Also called: LEUKODYSTROPHY, HYPOMYELINATING, WITH ATROPHY OF THE BASAL GANGLIA AND CEREBELLUM; Hypomyelination with Atrophy of Basal Ganglia and Cerebellum (H-ABC); TUBB4A-Associated Leukodystrophy. Identifiers: Orphanet 139441, MedGen C2676244, MONDO:0012905, OMIM 612438.

gnomAD v4.1: 1 of 1,575,982 alleles (0.000063%); highest among the groups gnomAD compares: Non-Finnish European, 0.000086%; no homozygotes.

Submission:

Labcorp Genetics (formerly Invitae), Labcorp
Classification: Uncertain significance for Leukodystrophy, hypomyelinating, 6. Last evaluated: 2025-08-24. Review status: criteria provided, single submitter. Criteria: Invitae Variant Classification Sherloc (09022015). Collection method: clinical testing. Allele origin: germline.
Comment: This sequence change replaces cysteine, which is neutral and slightly polar, with tryptophan, which is neutral and slightly polar, at codon 12 of the TUBB4A protein (p.Cys12Trp). This variant is not present in population databases (gnomAD no frequency). This variant has not been reported in the literature in individuals affected with TUBB4A-related conditions. Invitae Evidence Modeling of protein sequence and biophysical properties (such as structural, functional, and spatial information, amino acid conservation, physicochemical variation, residue mobility, and thermodynamic stability) indicates that this missense variant is expected to disrupt TUBB4A protein function with a positive predictive value of 80%. In summary, the available evidence is currently insufficient to determine the role of this variant in disease. Therefore, it has been classified as a Variant of Uncertain Significance.